The following is an entry in ClinVar:

ClinVar aggregate classification (germline): Likely benign. Review status: criteria provided, multiple submitters, no conflicts (2 of 4 stars). 2 submissions from 2 submitters: Likely benign (2). Last evaluated 2026-01-13.

Conditions:
Dilated cardiomyopathy 1G (CMD1G). Identifiers: Orphanet 154, MedGen C1858763, MONDO:0011400, OMIM 604145.
Autosomal recessive limb-girdle muscular dystrophy type 2J (LGMDR10). Also called: Limb-girdle muscular dystrophy, type 2J; MUSCULAR DYSTROPHY, LIMB-GIRDLE, AUTOSOMAL RECESSIVE 10. Identifiers: Orphanet 140922, MedGen C1837342, MONDO:0012127, OMIM 608807.

Submissions (2):

Labcorp Genetics (formerly Invitae), Labcorp
Classification: Likely benign for Dilated cardiomyopathy 1G; Autosomal recessive limb-girdle muscular dystrophy type 2J. Last evaluated: 2026-01-13. Review status: criteria provided, single submitter. Criteria: Invitae Variant Classification Sherloc (09022015). Collection method: clinical testing. Allele origin: germline.

CeGaT Center for Human Genetics Tuebingen
Classification: Likely benign. Last evaluated: 2023-03-01. Review status: criteria provided, single submitter. Criteria: CeGaT Center For Human Genetics Tuebingen Variant Classification Criteria Version 2. Collection method: clinical testing. Allele origin: germline. Affected: yes. Observed: 1 variant allele.
Comment: TTN: PM2:Supporting, BP4, BP7

NM_001267550.2(TTN):c.46122T>C (p.Thr15374=)

Gene: TTN (titin; minus strand). Cytogenetic location: 2q31.2.
Variant type: single nucleotide variant.
Coding change: c.46122T>C on transcript NM_001267550.2 (MANE Select); coding-DNA position 46122, T replaced by C.
Protein change: p.Thr15374=; no amino-acid change (threonine 15374 retained).
Molecular consequence: synonymous variant.
Genome position (GRCh38, 1-based): chr2:178,620,399, A>G on the plus strand (T>C on the coding strand, the complement: TTN is on the minus strand). VCF-style: chr2-178620399-A-G. GRCh37 (hg19) VCF-style: chr2-179485126-A-G.
Other names: c.41199T>C, p.Thr13733= (NM_001256850.1); c.18927T>C, p.Thr6309= (NM_003319.4); c.38418T>C, p.Thr12806= (NM_133378.4); c.19302T>C, p.Thr6434= (NM_133432.3); c.19503T>C, p.Thr6501= (NM_133437.4).
Identifiers: ClinVar variation 2498852 (VCV002498852.30), dbSNP rs2471001479, ClinGen allele CA430275515.
Genomic context (GRCh38, chr2:178,620,399, plus strand): 5'-CACAAATTCTGTCGGGGCTTCTATGATGAGAAGCTCAGCAACAGATTTATCTTGTCCAGC[A>G]GTGACAATGTATTCACCTTCATCTGGGAAGCCACAGTCTTTAATGGTTAACATGTGCTTG-3'
Protein context (NP_001254479.2, residues 15364-15384): GFPDEGEYIV[Thr15374=]AGQDKSVAEL